The following is an entry in ClinVar:

NM_006371.5(CRTAP):c.325T>C (p.Phe109Leu)

Gene: CRTAP (cartilage associated protein; plus strand). Cytogenetic location: 3p22.3.
Variant type: single nucleotide variant.
Coding change: c.325T>C on transcript NM_006371.5 (MANE Select); coding-DNA position 325, T replaced by C.
Protein change: p.Phe109Leu; replaces phenylalanine 109 with leucine.
Molecular consequence: missense variant.
Genome position (GRCh38, 1-based): chr3:33,114,402, T>C. VCF-style: chr3-33114402-T-C. GRCh37 (hg19) VCF-style: chr3-33155894-T-C.
Other names: c.325T>C, p.Phe109Leu (NM_001393363.1, NM_001393364.1, NM_001393365.1); c.325T>C (NM_006371.4); short protein forms F109L.
Identifiers: ClinVar variation 1523059 (VCV001523059.6), dbSNP rs775914088, ClinGen allele CA2300245.
Genomic context (GRCh38, chr3:33,114,402, plus strand): 5'-AGCGCCGCGCCGCAGCCCGAGCCCGCCGCCGGCCTCGCCAGCTATCCCGAGCTGCGCCTC[T>C]TCGGGGGCCTGCTGCGCCGCGCGCACTGCCTCAAGCGCTGCAAGCAGGGCCTGCCAGCCT-3'
Protein context (NP_006362.1, residues 99-119): GLASYPELRL[Phe109Leu]GGLLRRAHCL

ClinVar aggregate classification (germline): Uncertain significance. Review status: criteria provided, multiple submitters, no conflicts (2 of 4 stars). 2 submissions from 2 submitters: Uncertain significance (2). Last evaluated 2023-09-13.

Conditions:
Inborn genetic diseases. Identifiers: MedGen C0950123, MeSH D030342.
Osteogenesis imperfecta type 7 (OI7). Also called: OI type 7; OI type VII; OSTEOGENESIS IMPERFECTA, TYPE IIB; Osteogenesis imperfecta type 2B; OI type 2B; Osteogenesis imperfecta, perinatal lethal autosomal recessive. Identifiers: MedGen C1853162, MONDO:0012536, OMIM 610682.

Allele frequency attached by ClinVar (database versions not stated): gnomAD 0.00001; gnomAD exomes 0.00001 and 0.00003; TOPMed 0.00001; 1000 Genomes Project 30x 0.00016.
gnomAD v4.1: 16 of 1,539,950 alleles (0.001%); highest among the groups gnomAD compares: East Asian, 0.032%; no homozygotes.

Submissions (2):

Ambry Genetics
Classification: Uncertain significance for Inborn genetic diseases. Last evaluated: 2023-09-13. Review status: criteria provided, single submitter. Criteria: Ambry Variant Classification Scheme 2023. Collection method: clinical testing. Allele origin: germline.

Labcorp Genetics (formerly Invitae), Labcorp
Classification: Uncertain significance for Osteogenesis imperfecta type 7. Last evaluated: 2022-06-27. Review status: criteria provided, single submitter. Criteria: Invitae Variant Classification Sherloc (09022015). Collection method: clinical testing. Allele origin: germline.
Comment: This sequence change replaces phenylalanine, which is neutral and non-polar, with leucine, which is neutral and non-polar, at codon 109 of the CRTAP protein (p.Phe109Leu). This variant is present in population databases (rs775914088, gnomAD 0.04%). This variant has not been reported in the literature in individuals affected with CRTAP-related conditions. Algorithms developed to predict the effect of missense changes on protein structure and function (SIFT, PolyPhen-2, Align-GVGD) all suggest that this variant is likely to be tolerated. In summary, the available evidence is currently insufficient to determine the role of this variant in disease. Therefore, it has been classified as a Variant of Uncertain Significance.